The following is an entry in ClinVar:

NM_025179.4(PLXNA2):c.2018A>G (p.His673Arg)

Gene: PLXNA2 (plexin A2; minus strand). Cytogenetic location: 1q32.2.
Variant type: single nucleotide variant.
Coding change: c.2018A>G on transcript NM_025179.4 (MANE Select); coding-DNA position 2018, A replaced by G.
Protein change: p.His673Arg; replaces histidine 673 with arginine.
Molecular consequence: missense variant.
Genome position (GRCh38, 1-based): chr1:208,092,865, T>C on the plus strand (A>G on the coding strand, the complement: PLXNA2 is on the minus strand). VCF-style: chr1-208092865-T-C. GRCh37 (hg19) VCF-style: chr1-208266210-T-C.
Other names: short protein forms H673R.
Identifiers: ClinVar variation 3349592 (VCV003349592.2).
Genomic context (GRCh38, chr1:208,092,865, plus strand): 5'-CCCTCCTGGAAGGAGCAGGTGGTGGGGTCATGAGTGCAGAGGTTGCGGTACTTGCACCAA[T>C]GGCAGCGGAAGGCGCTGTTGACACAGGACAGGCACCTGCAAGGACAGAGATGGTGAGAGG-3'
Protein context (NP_079455.3, residues 663-683): LSCVNSAFRC[His673Arg]WCKYRNLCTH

ClinVar aggregate classification (germline): Uncertain significance (1 of 4 stars; one submission).

Conditions:
PLXNA2-related disorder. Also called: PLXNA2-related condition.

gnomAD v4.1: 3 of 1,613,966 alleles (0.00019%); highest among the groups gnomAD compares: East Asian, 0.0022%; no homozygotes.

Submission:

PreventionGenetics, part of Exact Sciences
Classification: Uncertain significance for PLXNA2-related condition. Last evaluated: 2026-01-02. Review status: criteria provided, single submitter. Criteria: ACMG Guidelines, 2015. Collection method: clinical testing. Allele origin: germline.
Comment: The PLXNA2 c.2018A>G variant is predicted to result in the amino acid substitution p.His673Arg. To our knowledge, this variant has not been reported in the literature or in a large population database (gnomAD), indicating this variant is rare. At this time, the clinical significance of this variant is uncertain due to the absence of conclusive functional and genetic evidence.